The following is an entry in ClinVar:

NM_000135.4(FANCA):c.3927dup (p.Glu1310fs)

Genes: FANCA (FA complementation group A; minus strand), ZNF276 (zinc finger protein 276; plus strand). Cytogenetic location: 16q24.3.
Variant type: Duplication.
Coding change: c.3927dup on transcript NM_000135.4 (MANE Select); coding-DNA position 3927, one base duplicated (A; older notation c.3927dupA).
Protein change: p.Glu1310fs; shifts the reading frame from glutamic acid 1310.
Molecular consequence: frameshift variant. On other transcripts: 3 prime UTR variant (2), non-coding transcript variant (4).
Genome position (GRCh38, 1-based): chr16:89,740,001, T duplicated on the plus strand (A on the coding strand, the reverse complement: FANCA is on the minus strand). VCF-style (leftmost placement, unchanged base first): chr16-89740000-C-CT. GRCh37 (hg19) VCF-style: chr16-89806408-C-CT.
Other names: c.3927dup, p.Glu1310fs (NM_001286167.3); c.*1755dup (NM_001113525.2, NM_152287.4); short protein forms E1310fs.
Identifiers: ClinVar variation 1071443 (VCV001071443.8), dbSNP rs2151714603, ClinGen allele CA2499223814.
Genomic context (GRCh38, chr16:89,740,000, plus strand): 5'-TGCCTCTGAAAAGAGCGGCCCTCCGCATTTGTGCCTCAGCAGCGTGTTTCTTACCACTCT[C>CT]TGTCAACTGAAAGAGTGCCAGCCAGGATATCTTCCTCTTCTCTAAACACTCGAGGATTGC-3'

ClinVar aggregate classification (germline): Pathogenic/Likely pathogenic. Review status: criteria provided, multiple submitters, no conflicts (2 of 4 stars). 2 submissions from 2 submitters: Pathogenic (1); Likely pathogenic (1). Last evaluated 2021-12-17.

Conditions:
Fanconi anemia (FA). Also called: Fanconi's anemia. Identifiers: Orphanet 84, MedGen C0015625, MeSH D005199, MONDO:0019391.
FANCA-related disorders.

Submissions (2):

Blueprint Genetics
Classification: Likely pathogenic for FANCA-related disorders. Last evaluated: 2021-12-17. Review status: criteria provided, single submitter. Criteria: ACMG Guidelines, 2015. Collection method: clinical testing. Allele origin: germline. Affected: yes. Observed: 2 variant alleles.

Labcorp Genetics (formerly Invitae), Labcorp
Classification: Pathogenic for Fanconi anemia. Last evaluated: 2020-01-11. Review status: criteria provided, single submitter. Criteria: Invitae Variant Classification Sherloc (09022015). Collection method: clinical testing. Allele origin: germline.
Comment: Loss-of-function variants in FANCA are known to be pathogenic (PMID: 19367192). For these reasons, this variant has been classified as Pathogenic. This sequence change creates a premature translational stop signal (p.Glu1310Argfs*3) in the FANCA gene. It is expected to result in an absent or disrupted protein product. This variant is not present in population databases (ExAC no frequency). This variant has not been reported in the literature in individuals with FANCA-related conditions.

Literature cited by the submitters: PubMed 19367192 (cited by Labcorp Genetics (formerly Invitae), Labcorp).